The following is an entry in ClinVar:

NM_001267550.2(TTN):c.5201T>C (p.Met1734Thr)

Gene: TTN (titin; minus strand). Cytogenetic location: 2q31.2.
Variant type: single nucleotide variant.
Coding change: c.5201T>C on transcript NM_001267550.2 (MANE Select); coding-DNA position 5201, T replaced by C.
Protein change: p.Met1734Thr; replaces methionine 1734 with threonine.
Molecular consequence: missense variant.
Genome position (GRCh38, 1-based): chr2:178,776,663, A>G on the plus strand (T>C on the coding strand, the complement: TTN is on the minus strand). VCF-style: chr2-178776663-A-G. GRCh37 (hg19) VCF-style: chr2-179641390-A-G.
Other names: c.5063T>C, p.Met1688Thr (NM_003319.4, NM_133432.3, NM_133437.4); c.5201T>C, p.Met1734Thr (NM_133378.4, NM_133379.5, NM_001256850.1); short protein forms M1734T, M1688T.
Identifiers: ClinVar variation 1745119 (VCV001745119.2), dbSNP rs1379908886, ClinGen allele CA349455171.
Genomic context (GRCh38, chr2:178,776,663, plus strand): 5'-ATCATACGGAGCCTGTTGGCTGCTTCAAGTGGCTTTCCATCATGGAGCCACTCCACCACC[A>G]TCGTTGGGTCACCAATGGGTGTTAGCCTGCATTCAAAGTGGGCAGGCCCAAAGCGCTTAA-3'
Protein context (NP_001254479.2, residues 1724-1744): CRLTPIGDPT[Met1734Thr]VVEWLHDGKP

ClinVar aggregate classification (germline): Uncertain significance (1 of 4 stars; one submission).

Conditions:
Cardiovascular phenotype. Identifiers: MedGen CN230736.

Allele frequency attached by ClinVar (database versions not stated): gnomAD exomes 0.00001.

Submission:

Ambry Genetics
Classification: Uncertain significance for Cardiovascular phenotype. Last evaluated: 2020-06-02. Review status: criteria provided, single submitter. Criteria: Ambry Variant Classification Scheme 2023. Collection method: clinical testing. Allele origin: germline.
Comment: The p.M1688T variant (also known as c.5063T>C), located in coding exon 26 of the TTN gene, results from a T to C substitution at nucleotide position 5063. The methionine at codon 1688 is replaced by threonine, an amino acid with similar properties. This amino acid position is highly conserved in available vertebrate species. In addition, the in silico prediction for this alteration is inconclusive. Since supporting evidence is limited at this time, the clinical significance of this alteration remains unclear.